The following is an entry in ClinVar:

ClinVar aggregate classification (germline): Uncertain significance (1 of 4 stars; one submission).

Conditions:
PHIP-related disorder. Also called: PHIP-related disorders; PHIP-related condition.

Submission:

PreventionGenetics, part of Exact Sciences
Classification: Uncertain significance for PHIP-related condition. Last evaluated: 2025-08-13. Review status: criteria provided, single submitter. Criteria: ACMG Guidelines, 2015. Collection method: clinical testing. Allele origin: germline.
Comment: The PHIP c.2458G>A variant is predicted to result in the amino acid substitution p.Asp820Asn. To our knowledge, this variant has not been reported in the literature or in a large population database (gnomAD), indicating this variant is rare. At this time, the clinical significance of this variant is uncertain due to the absence of conclusive functional and genetic evidence.

NM_017934.7(PHIP):c.2458G>A (p.Asp820Asn)

Gene: PHIP (PHIP subunit of CUL4-Ring ligase complex; minus strand). Cytogenetic location: 6q14.1.
Variant type: single nucleotide variant.
Coding change: c.2458G>A on transcript NM_017934.7 (MANE Select); coding-DNA position 2458, G replaced by A.
Protein change: p.Asp820Asn; replaces aspartic acid 820 with asparagine.
Molecular consequence: missense variant.
Genome position (GRCh38, 1-based): chr6:78,988,211, C>T on the plus strand (G>A on the coding strand, the complement: PHIP is on the minus strand). VCF-style: chr6-78988211-C-T. GRCh37 (hg19) VCF-style: chr6-79697928-C-T.
Other names: short protein forms D820N.
Identifiers: ClinVar variation 4994091 (VCV004994091.1).
Genomic context (GRCh38, chr6:78,988,211, plus strand): 5'-CATATTTAAAAAAATAAGTAAAAATGACATCTAATTTATGAATGTGCTGATATCTTACAT[C>T]TGAAGAACTACTGCCATTTTCTATCTCTTCTGAGGGTCTAGGAGTCTCTTCCAATGCAGA-3'
Protein context (NP_060404.4, residues 810-830): EEIENGSSSS[Asp820Asn]EGEVVAVSGG